The following is an entry in ClinVar:

NM_000070.3(CAPN3):c.1524+1G>C

Gene: CAPN3 (calpain 3; plus strand). Cytogenetic location: 15q15.1.
Variant type: single nucleotide variant.
Coding change: c.1524+1G>C on transcript NM_000070.3 (MANE Select); the canonical splice donor site of the intron after coding-DNA position 1524, G replaced by C.
Molecular consequence: splice donor variant.
Genome position (GRCh38, 1-based): chr15:42,401,811, G>C. VCF-style: chr15-42401811-G-C. GRCh37 (hg19) VCF-style: chr15-42694009-G-C.
Other names: c.1524+1G>C (NM_024344.2, NM_000070.2); c.1380+1G>C (NM_173087.2).
Identifiers: ClinVar variation 2729815 (VCV002729815.4), dbSNP rs1275289254, ClinGen allele CA392000016.
Genomic context (GRCh38, chr15:42,401,811, plus strand): 5'-CGGCGGAAGGACCGGAAGCTAGGGGCCAGTCTCTTCACCATTGGCTTCGCCATCTACGAG[G>C]TGTGCAGTCCTGATTGGCTCCAGCCCAGGAAACATACTTTCCCAGGGAGGACGCTTCCAG-3'

ClinVar aggregate classification (germline): Pathogenic. Review status: criteria provided, multiple submitters, no conflicts (2 of 4 stars). 2 submissions from 2 submitters: Pathogenic (2). Last evaluated 2024-07-11.

Conditions:
Autosomal recessive limb-girdle muscular dystrophy type 2A (LGMDR1). Also called: Calpainopathy; LEYDEN-MOEBIUS MUSCULAR DYSTROPHY; MUSCULAR DYSTROPHY, PELVOFEMORAL; Muscular dystrophy, limb-girdle, type 2A, Amish; Limb-girdle muscular dystrophy, type 2A. Identifiers: Orphanet 267, MedGen C1869123, MONDO:0009675, OMIM 253600. Disease mechanism: loss of function.

Allele frequency attached by ClinVar (database versions not stated): gnomAD exomes 0.00001.
gnomAD v4.1: 3 of 1,612,590 alleles (0.00019%); highest among the groups gnomAD compares: Non-Finnish European, 0.00025%; no homozygotes.

Submissions (2):

Natera, Inc.
Classification: Pathogenic for Limb-girdle muscular dystrophy type 2A. Last evaluated: 2024-07-11. Review status: criteria provided, single submitter. Criteria: Natera Variant Classification Schema (03/2026). Collection method: clinical testing. Allele origin: germline.
Comment: The c.1524+1G>C variant in CAPN3 is a canonical splice donor site variant predicted to affect pre-mRNA splicing, which may result in an abnormal transcript and altered protein product. This variant is expected to result in nonsense mediated decay, truncation, or a dysfunctional protein product. This variant is rare in the general population with a frequency below the threshold expected for the associated phenotype(s). This variant has been observed in one or more individuals affected with the associated recessive disease, as either homozygous or compound heterozygous with a second variant (PMID: 18563459, 17994539, 17994539). Functional studies show that this variant may disrupt protein function (PMID: 20635405). Given the available evidence, this variant is classified as Pathogenic.

Labcorp Genetics (formerly Invitae), Labcorp
Classification: Pathogenic for Autosomal recessive limb-girdle muscular dystrophy type 2A. Last evaluated: 2023-07-19. Review status: criteria provided, single submitter. Criteria: Invitae Variant Classification Sherloc (09022015). Collection method: clinical testing. Allele origin: germline.
Comment: For these reasons, this variant has been classified as Pathogenic. Studies have shown that disruption of this splice site is associated with altered splicing resulting in multiple RNA products (PMID: 18563459, 20635405). Disruption of this splice site has been observed in individual(s) with autosomal recessive limb-girdle muscular dystrophy and Emery-Dreifuss muscular dystrophy (PMID: 17258832, 19556129, 20635405). This variant is not present in population databases (gnomAD no frequency). This sequence change affects a donor splice site in intron 11 of the CAPN3 gene. It is expected to disrupt RNA splicing. Variants that disrupt the donor or acceptor splice site typically lead to a loss of protein function (PMID: 16199547), and loss-of-function variants in CAPN3 are known to be pathogenic (PMID: 10330340, 15689361).

Literature cited by the submitters: PubMed 18563459 (cited by Natera, Inc. and Labcorp Genetics (formerly Invitae), Labcorp); PubMed 17994539 (cited by Natera, Inc.); PubMed 20635405 (cited by Natera, Inc. and Labcorp Genetics (formerly Invitae), Labcorp); PubMed 17258832 (cited by Labcorp Genetics (formerly Invitae), Labcorp); PubMed 19556129 (cited by Labcorp Genetics (formerly Invitae), Labcorp); PubMed 16199547 (cited by Labcorp Genetics (formerly Invitae), Labcorp); PubMed 10330340 (cited by Labcorp Genetics (formerly Invitae), Labcorp); PubMed 15689361 (cited by Labcorp Genetics (formerly Invitae), Labcorp).